The following is an entry in ClinVar:

ClinVar aggregate classification (germline): Uncertain significance. Review status: criteria provided, multiple submitters, no conflicts (2 of 4 stars). 2 submissions from 2 submitters: Uncertain significance (2). Last evaluated 2025-04-11.

Conditions:
Cone-rod dystrophy 6 (CORD6). Also called: RETINAL CONE DYSTROPHY 2; Cone dystrophy progressive. Identifiers: Orphanet 1872, MedGen C1866293, MONDO:0011143, OMIM 601777.
Leber congenital amaurosis 1 (LCA1). Also called: AMAUROSIS CONGENITA OF LEBER I; RETINAL BLINDNESS, CONGENITAL; Congenital absence of the rods and cones; Leber's congenital tapetoretinal degeneration; Leber's congenital tapetoretinal dysplasia. Identifiers: Orphanet 65, MedGen C2931258, MONDO:0008764, OMIM 204000.

gnomAD v4.1: 12 of 1,522,968 alleles (0.00079%); highest among the groups gnomAD compares: African/African-American, 0.0014%; no homozygotes.

Submissions (2):

Labcorp Genetics (formerly Invitae), Labcorp
Classification: Uncertain significance for Leber congenital amaurosis 1; Cone-rod dystrophy 6. Last evaluated: 2025-04-11. Review status: criteria provided, single submitter. Criteria: Invitae Variant Classification Sherloc (09022015). Collection method: clinical testing. Allele origin: germline.
Comment: This sequence change replaces glutamic acid, which is acidic and polar, with lysine, which is basic and polar, at codon 142 of the GUCY2D protein (p.Glu142Lys). This variant is not present in population databases (gnomAD no frequency). This variant has not been reported in the literature in individuals affected with GUCY2D-related conditions. Invitae Evidence Modeling of protein sequence and biophysical properties (such as structural, functional, and spatial information, amino acid conservation, physicochemical variation, residue mobility, and thermodynamic stability) indicates that this missense variant is not expected to disrupt GUCY2D protein function with a negative predictive value of 80%. In summary, the available evidence is currently insufficient to determine the role of this variant in disease. Therefore, it has been classified as a Variant of Uncertain Significance.

Blueprint Genetics
Classification: Uncertain significance. Last evaluated: 2021-08-26. Review status: criteria provided, single submitter. Criteria: ACMG Guidelines, 2015. Collection method: clinical testing. Allele origin: germline.

NM_000180.4(GUCY2D):c.424G>A (p.Glu142Lys)

Gene: GUCY2D (guanylate cyclase 2D, retinal; plus strand). Cytogenetic location: 17p13.1.
Variant type: single nucleotide variant.
Coding change: c.424G>A on transcript NM_000180.4 (MANE Select); coding-DNA position 424, G replaced by A.
Protein change: p.Glu142Lys; replaces glutamic acid 142 with lysine.
Molecular consequence: missense variant.
Genome position (GRCh38, 1-based): chr17:8,003,471, G>A. VCF-style: chr17-8003471-G-A. GRCh37 (hg19) VCF-style: chr17-7906789-G-A.
Other names: short protein forms E142K.
Identifiers: ClinVar variation 4790233 (VCV004790233.2).